The following is an entry in ClinVar:

NM_003571.4(BFSP2):c.861G>A (p.Arg287=)

Genes: BFSP2 (beaded filament structural protein 2; plus strand), BFSP2-AS1 (BFSP2 antisense RNA 1; minus strand). Cytogenetic location: 3q22.1.
Variant type: single nucleotide variant.
Coding change: c.861G>A on transcript NM_003571.4 (MANE Select); coding-DNA position 861, G replaced by A.
Protein change: p.Arg287=; no amino-acid change (arginine 287 retained).
Molecular consequence: synonymous variant.
Genome position (GRCh38, 1-based): chr3:133,450,434, G>A. VCF-style: chr3-133450434-G-A. GRCh37 (hg19) VCF-style: chr3-133169278-G-A.
Identifiers: ClinVar variation 100844 (VCV000100844.2), dbSNP rs190627417, ClinGen allele CA229113.

ClinVar aggregate classification (germline): Uncertain significance. Review status: no assertion criteria provided (0 of 4 stars). 2 submissions from 1 submitter: Uncertain significance (1). 1 of the submissions does not count toward it.

Submissions (2):

Richard Lifton Laboratory, Yale University School of Medicine
Classification: Uncertain significance. Review status: no assertion criteria provided. Collection method: not provided. Allele origin: somatic.
Comment: BFSP2:p.R287R
ClinVar note: Converted during submission from unknown to Uncertain significance.

Richard Lifton Laboratory, Yale University School of Medicine
Classification: Uncertain significance. Review status: flagged submission. Collection method: not provided. Allele origin: somatic. Not counted in ClinVar's aggregate classification.
ClinVar note: Converted during submission from unknown to Uncertain significance.
ClinVar note: Reason: This record appears to be redundant with a more recent record from the same submitter.
ClinVar note: Notes: SCV000120068 appears to be redundant with SCV000155172.